The following is an entry in ClinVar:

NM_001170535.3(ATAD3A):c.211G>A (p.Ala71Thr)

Gene: ATAD3A (ATPase family AAA domain containing 3A; plus strand). Cytogenetic location: 1p36.33.
Variant type: single nucleotide variant.
Coding change: c.211G>A on transcript NM_001170535.3 (MANE Select); coding-DNA position 211, G replaced by A.
Protein change: p.Ala71Thr; replaces alanine 71 with threonine.
Molecular consequence: missense variant. On other transcripts: 5 prime UTR variant (1).
Genome position (GRCh38, 1-based): chr1:1,516,017, G>A. VCF-style: chr1-1516017-G-A. GRCh37 (hg19) VCF-style: chr1-1451397-G-A.
Other names: c.-27G>A (NM_001170536.3); c.211G>A, p.Ala71Thr (NM_018188.5); short protein forms A71T.
Identifiers: ClinVar variation 4292527 (VCV004292527.1).

ClinVar aggregate classification (germline): Uncertain significance (1 of 4 stars; one submission).

Conditions:
Pontocerebellar hypoplasia, hypotonia, and respiratory insufficiency syndrome, neonatal lethal. Also called: PHRINL SYNDROME. Identifiers: Orphanet 615954, MedGen C5394137, MONDO:0032931, OMIM 618810.

gnomAD v4.1: 1 of 1,614,034 alleles (0.000062%); highest among the groups gnomAD compares: Non-Finnish European, 0.000085%; no homozygotes.

Submission:

3billion
Classification: Uncertain significance for Pontocerebellar hypoplasia, hypotonia, and respiratory insufficiency syndrome, neonatal lethal. Last evaluated: 2024-10-22. Review status: criteria provided, single submitter. Criteria: ACMG Guidelines, 2015. Collection method: clinical testing. Allele origin: germline. Affected: yes.
Comment: The variant is observed at an extremely low frequency in the gnomAD v4.1.0 dataset (total allele frequency: <0.001%). Predicted Consequence/Location: Missense variant Damaging effect on gene or gene product predicted by in silico programs is uncertain [REVEL: 0.59 (damaging >=0.6, benign <0.4)]. Therefore, this variant is classified as VUS according to the recommendation of ACMG/AMP guideline.